The following is an entry in ClinVar:

ClinVar aggregate classification (germline): Uncertain significance (1 of 4 stars; one submission).

Conditions:
Inborn genetic diseases. Identifiers: MedGen C0950123, MeSH D030342.

Submission:

Ambry Genetics
Classification: Uncertain significance for Inborn genetic diseases. Last evaluated: 2025-02-25. Review status: criteria provided, single submitter. Criteria: Ambry Variant Classification Scheme 2023. Collection method: clinical testing. Allele origin: germline.
Comment: The c.971A>G (p.Y324C) alteration is located in exon 8 (coding exon 8) of the NKAP gene. This alteration results from an A to G substitution at nucleotide position 971, causing the tyrosine (Y) at amino acid position 324 to be replaced by a cysteine (C). This variant was not reported in population-based cohorts in the Genome Aggregation Database (gnomAD). This amino acid position is well conserved in available vertebrate species. This missense alteration is located in a region that has a low rate of benign missense variation (Lek, 2016; Firth, 2009). The in silico prediction for this alteration is inconclusive. Based on insufficient or conflicting evidence, the clinical significance of this alteration remains unclear.

NM_024528.4(NKAP):c.971A>G (p.Tyr324Cys)

Gene: NKAP (NFKB activating protein; minus strand). Cytogenetic location: Xq24.
Variant type: single nucleotide variant.
Coding change: c.971A>G on transcript NM_024528.4 (MANE Select); coding-DNA position 971, A replaced by G.
Protein change: p.Tyr324Cys; replaces tyrosine 324 with cysteine.
Molecular consequence: missense variant.
Genome position (GRCh38, 1-based): chrX:119,930,118, T>C on the plus strand (A>G on the coding strand, the complement: NKAP is on the minus strand). VCF-style: chrX-119930118-T-C. GRCh37 (hg19) VCF-style: chrX-119064081-T-C.
Other names: short protein forms Y324C.
Identifiers: ClinVar variation 3405798 (VCV003405798.2).